The following is an entry in ClinVar:

ClinVar aggregate classification (germline): Uncertain significance. Review status: criteria provided, multiple submitters, no conflicts (2 of 4 stars). 2 submissions from 2 submitters: Uncertain significance (2). Last evaluated 2025-08-12.

Conditions:
Developmental and epileptic encephalopathy, 2 (DEE2). Also called: CDKL5 deficiency disorder; INFANTILE SPASM SYNDROME, X-LINKED 2. Identifiers: Orphanet 1934, Orphanet 3451, Orphanet 505652, MedGen C4750718, MONDO:0010396, OMIM 300672.
Angelman syndrome-like. Identifiers: MedGen CN128785.
Inborn genetic diseases. Identifiers: MedGen C0950123, MeSH D030342.

gnomAD v4.1: 17 of 1,175,347 alleles (0.0014%); highest among the groups gnomAD compares: South Asian, 0.0018%; no homozygotes.

Submissions (2):

Ambry Genetics
Classification: Uncertain significance for Inborn genetic diseases. Last evaluated: 2025-08-12. Review status: criteria provided, single submitter. Criteria: Ambry Variant Classification Scheme 2023. Collection method: clinical testing. Allele origin: germline.

Labcorp Genetics (formerly Invitae), Labcorp
Classification: Uncertain significance for Developmental and epileptic encephalopathy, 2; Angelman syndrome-like. Last evaluated: 2024-08-20. Review status: criteria provided, single submitter. Criteria: Invitae Variant Classification Sherloc (09022015). Collection method: clinical testing. Allele origin: germline.
Comment: This sequence change replaces arginine, which is basic and polar, with cysteine, which is neutral and slightly polar, at codon 678 of the CDKL5 protein (p.Arg678Cys). This variant is not present in population databases (gnomAD no frequency). This variant has not been reported in the literature in individuals affected with CDKL5-related conditions. Invitae Evidence Modeling of protein sequence and biophysical properties (such as structural, functional, and spatial information, amino acid conservation, physicochemical variation, residue mobility, and thermodynamic stability) indicates that this missense variant is not expected to disrupt CDKL5 protein function with a negative predictive value of 95%. In summary, the available evidence is currently insufficient to determine the role of this variant in disease. Therefore, it has been classified as a Variant of Uncertain Significance.

NM_001323289.2(CDKL5):c.2032C>T (p.Arg678Cys)

Gene: CDKL5 (cyclin dependent kinase like 5; plus strand). Cytogenetic location: Xp22.13.
Variant type: single nucleotide variant.
Coding change: c.2032C>T on transcript NM_001323289.2 (MANE Select); coding-DNA position 2032, C replaced by T.
Protein change: p.Arg678Cys; replaces arginine 678 with cysteine.
Molecular consequence: missense variant.
Genome position (GRCh38, 1-based): chrX:18,608,898, C>T. VCF-style: chrX-18608898-C-T. GRCh37 (hg19) VCF-style: chrX-18627018-C-T.
Other names: c.2032C>T, p.Arg678Cys (NM_001037343.2, NM_003159.3); c.2032C>T (NM_003159.2); short protein forms R678C.
Identifiers: ClinVar variation 3762855 (VCV003762855.3).